The following is an entry in ClinVar:

ClinVar aggregate classification (germline): Likely benign (0 of 4 stars; one submission).

Conditions:
RIPK4-related disorder. Also called: RIPK4-related condition.

Allele frequency attached by ClinVar (database versions not stated): gnomAD exomes 0.00005; ExAC 0.00009; ESP Exome Variant Server 0.00015; gnomAD 0.00038; TOPMed 0.00045; 1000 Genomes Project 30x 0.00047; 1000 Genomes Project 0.00060.
gnomAD v4.1: 126 of 1,608,182 alleles (0.0078%); highest among the groups gnomAD compares: African/African-American, 0.14%; no homozygotes.

Submission:

PreventionGenetics, part of Exact Sciences
Classification: Likely benign for RIPK4-related condition. Last evaluated: 2019-03-22. Review status: no assertion criteria provided. Collection method: clinical testing. Allele origin: germline.
Comment: This variant is classified as likely benign based on ACMG/AMP sequence variant interpretation guidelines (Richards et al. 2015 PMID: 25741868, with internal and published modifications).

NM_020639.3(RIPK4):c.1242C>T (p.Ile414=)

Gene: RIPK4 (receptor interacting serine/threonine kinase 4; minus strand). Cytogenetic location: 21q22.3.
Variant type: single nucleotide variant.
Coding change: c.1242C>T on transcript NM_020639.3 (MANE Select); coding-DNA position 1242, C replaced by T.
Protein change: p.Ile414=; no amino-acid change (isoleucine 414 retained).
Molecular consequence: synonymous variant.
Genome position (GRCh38, 1-based): chr21:41,741,951, G>A on the plus strand (C>T on the coding strand, the complement: RIPK4 is on the minus strand). VCF-style: chr21-41741951-G-A. GRCh37 (hg19) VCF-style: chr21-43162111-G-A.
Identifiers: ClinVar variation 3050876 (VCV003050876.2), dbSNP rs145132650, ClinGen allele CA10035345.